The following is an entry in ClinVar:

NM_004608.4(TBX6):c.1211C>T (p.Ala404Val)

Gene: TBX6 (T-box transcription factor 6; minus strand). Cytogenetic location: 16p11.2.
Variant type: single nucleotide variant.
Coding change: c.1211C>T on transcript NM_004608.4 (MANE Select); coding-DNA position 1211, C replaced by T.
Protein change: p.Ala404Val; replaces alanine 404 with valine.
Molecular consequence: missense variant.
Genome position (GRCh38, 1-based): chr16:30,086,325, G>A on the plus strand (C>T on the coding strand, the complement: TBX6 is on the minus strand). VCF-style: chr16-30086325-G-A. GRCh37 (hg19) VCF-style: chr16-30097646-G-A.
Other names: c.1211C>T (NM_004608.3); short protein forms A404V.
Identifiers: ClinVar variation 3014748 (VCV003014748.3), dbSNP rs142143210, ClinGen allele CA8001639.

ClinVar aggregate classification (germline): Uncertain significance. Review status: criteria provided, multiple submitters, no conflicts (2 of 4 stars). 2 submissions from 2 submitters: Uncertain significance (2). Last evaluated 2025-08-20.

Conditions:
Inborn genetic diseases. Identifiers: MedGen C0950123, MeSH D030342.

Allele frequency attached by ClinVar (database versions not stated): gnomAD exomes 0.00002; ExAC 0.00006; gnomAD 0.00009; TOPMed 0.00013; ESP Exome Variant Server 0.00015.

Submissions (2):

Ambry Genetics
Classification: Uncertain significance for Inborn genetic diseases. Last evaluated: 2025-08-20. Review status: criteria provided, single submitter. Criteria: Ambry Variant Classification Scheme 2023. Collection method: clinical testing. Allele origin: germline.

Labcorp Genetics (formerly Invitae), Labcorp
Classification: Uncertain significance. Last evaluated: 2024-04-25. Review status: criteria provided, single submitter. Criteria: Invitae Variant Classification Sherloc (09022015). Collection method: clinical testing. Allele origin: germline.
Comment: This sequence change replaces alanine, which is neutral and non-polar, with valine, which is neutral and non-polar, at codon 404 of the TBX6 protein (p.Ala404Val). This variant is present in population databases (rs142143210, gnomAD 0.03%). This variant has not been reported in the literature in individuals affected with TBX6-related conditions. Algorithms developed to predict the effect of missense changes on protein structure and function output the following: SIFT: "Not Available"; PolyPhen-2: "Benign"; Align-GVGD: "Not Available". The valine amino acid residue is found in multiple mammalian species, which suggests that this missense change does not adversely affect protein function. In summary, the available evidence is currently insufficient to determine the role of this variant in disease. Therefore, it has been classified as a Variant of Uncertain Significance.